The following is an entry in ClinVar:

ClinVar aggregate classification (germline): Uncertain significance. Review status: criteria provided, multiple submitters, no conflicts (2 of 4 stars). 2 submissions from 2 submitters: Uncertain significance (2). Last evaluated 2024-10-28.

Allele frequency attached by ClinVar (database versions not stated): TOPMed below 0.00001.

Submissions (2):

Labcorp Genetics (formerly Invitae), Labcorp
Classification: Uncertain significance. Last evaluated: 2024-10-28. Review status: criteria provided, single submitter. Criteria: Invitae Variant Classification Sherloc (09022015). Collection method: clinical testing. Allele origin: germline.
Comment: This sequence change replaces glycine, which is neutral and non-polar, with serine, which is neutral and polar, at codon 499 of the COL9A3 protein (p.Gly499Ser). This variant is not present in population databases (gnomAD no frequency). This variant has not been reported in the literature in individuals affected with COL9A3-related conditions. ClinVar contains an entry for this variant (Variation ID: 1999993). Invitae Evidence Modeling of protein sequence and biophysical properties (such as structural, functional, and spatial information, amino acid conservation, physicochemical variation, residue mobility, and thermodynamic stability) indicates that this missense variant is expected to disrupt COL9A3 protein function with a positive predictive value of 95%. In summary, the available evidence is currently insufficient to determine the role of this variant in disease. Therefore, it has been classified as a Variant of Uncertain Significance.

GeneDx
Classification: Uncertain significance. Last evaluated: 2024-04-02. Review status: criteria provided, single submitter. Criteria: GeneDx Variant Classification Process June 2021. Collection method: clinical testing. Allele origin: germline. Affected: yes.
Comment: Not observed at significant frequency in large population cohorts (gnomAD); In silico analysis supports that this missense variant has a deleterious effect on protein structure/function; Has not been previously published as pathogenic or benign to our knowledge

NM_001853.4(COL9A3):c.1495G>A (p.Gly499Ser)

Genes: COL9A3 (collagen type IX alpha 3 chain; plus strand), LOC126863084 (MED14-independent group 3 enhancer GRCh37_chr20:61467141-61468340; plus strand). Cytogenetic location: 20q13.33.
Variant type: single nucleotide variant.
Coding change: c.1495G>A on transcript NM_001853.4 (MANE Select); coding-DNA position 1495, G replaced by A.
Protein change: p.Gly499Ser; replaces glycine 499 with serine.
Molecular consequence: missense variant.
Genome position (GRCh38, 1-based): chr20:62,836,280, G>A. VCF-style: chr20-62836280-G-A. GRCh37 (hg19) VCF-style: chr20-61467632-G-A.
Other names: c.1495G>A (NM_001853.3); short protein forms G499S.
Identifiers: ClinVar variation 1999993 (VCV001999993.5), dbSNP rs1343324904, ClinGen allele CA409597994.